The following is an entry in ClinVar:

NM_001851.6(COL9A1):c.1036C>T (p.Pro346Ser)

Gene: COL9A1 (collagen type IX alpha 1 chain; minus strand). Cytogenetic location: 6q13.
Variant type: single nucleotide variant.
Coding change: c.1036C>T on transcript NM_001851.6 (MANE Select); coding-DNA position 1036, C replaced by T.
Protein change: p.Pro346Ser; replaces proline 346 with serine.
Molecular consequence: missense variant. On other transcripts: non-coding transcript variant (1).
Genome position (GRCh38, 1-based): chr6:70,274,076, G>A on the plus strand (C>T on the coding strand, the complement: COL9A1 is on the minus strand). VCF-style: chr6-70274076-G-A. GRCh37 (hg19) VCF-style: chr6-70983779-G-A.
Other names: c.307C>T, p.Pro103Ser (NM_001377289.1, NM_001377290.1, NM_078485.4); short protein forms P103S, P346S.
Identifiers: ClinVar variation 843747 (VCV000843747.6), dbSNP rs779666896, ClinGen allele CA3882481.

ClinVar aggregate classification (germline): Uncertain significance (1 of 4 stars; one submission).

Allele frequency attached by ClinVar (database versions not stated): gnomAD 0.00002; TOPMed 0.00002.
gnomAD v4.1: 5 of 1,587,548 alleles (0.00031%); highest among the groups gnomAD compares: African/African-American, 0.0054%; no homozygotes.

Submission:

Labcorp Genetics (formerly Invitae), Labcorp
Classification: Uncertain significance. Last evaluated: 2022-11-22. Review status: criteria provided, single submitter. Criteria: Invitae Variant Classification Sherloc (09022015). Collection method: clinical testing. Allele origin: germline.
Comment: In summary, the available evidence is currently insufficient to determine the role of this variant in disease. Therefore, it has been classified as a Variant of Uncertain Significance. Advanced modeling of protein sequence and biophysical properties (such as structural, functional, and spatial information, amino acid conservation, physicochemical variation, residue mobility, and thermodynamic stability) performed at Invitae indicates that this missense variant is not expected to disrupt COL9A1 protein function. ClinVar contains an entry for this variant (Variation ID: 843747). This variant has not been reported in the literature in individuals affected with COL9A1-related conditions. This variant is present in population databases (rs779666896, gnomAD 0.004%). This sequence change replaces proline, which is neutral and non-polar, with serine, which is neutral and polar, at codon 346 of the COL9A1 protein (p.Pro346Ser).